The following is an entry in ClinVar:

NM_017780.4(CHD7):c.7681_7709del (p.Gly2561fs)

Gene: CHD7 (chromodomain helicase DNA binding protein 7; plus strand). Cytogenetic location: 8q12.2.
Variant type: Deletion.
Coding change: c.7681_7709del on transcript NM_017780.4 (MANE Select); coding-DNA positions 7681 to 7709, 29 bases deleted (GGACAGCTGGACCCAGACACACGGATCCC).
Protein change: p.Gly2561fs; shifts the reading frame from glycine 2561.
Molecular consequence: frameshift variant. On other transcripts: intron variant (1).
Genome position (GRCh38, 1-based): chr8:60,860,976-60,861,004, GGACAGCTGGACCCAGACACACGGATCCC deleted; deleting any 29 consecutive bases within chr8:60,860,972-60,861,004 gives the same sequence; the c. name uses the placement nearest the transcript's 3' end. VCF-style (leftmost placement, unchanged base first): chr8-60860971-CTCCCGGACAGCTGGACCCAGACACACGGA-C. GRCh37 (hg19) VCF-style: chr8-61773530-CTCCCGGACAGCTGGACCCAGACACACGGA-C.
Other names: c.1717-1253_1717-1225del (NM_001316690.1); short protein forms G2561fs.
Identifiers: ClinVar variation 3067565 (VCV003067565.21), dbSNP rs2488107037, ClinGen allele CA2825001593.

ClinVar aggregate classification (germline): Pathogenic (1 of 4 stars; one submission).

Submission:

CeGaT Center for Human Genetics Tuebingen
Classification: Pathogenic. Last evaluated: 2024-03-01. Review status: criteria provided, single submitter. Criteria: CeGaT Center For Human Genetics Tuebingen Variant Classification Criteria Version 2. Collection method: clinical testing. Allele origin: germline. Affected: yes. Observed: 1 variant allele.
Comment: CHD7: PVS1, PM2